The following is an entry in ClinVar:

NM_138387.4(G6PC3):c.160G>A (p.Gly54Ser)

Genes: G6PC3 (glucose-6-phosphatase catalytic subunit 3; plus strand), LOC130060959 (ATAC-STARR-seq lymphoblastoid active region 12250; plus strand). Cytogenetic location: 17q21.31.
Variant type: single nucleotide variant.
Coding change: c.160G>A on transcript NM_138387.4 (MANE Select); coding-DNA position 160, G replaced by A.
Protein change: p.Gly54Ser; replaces glycine 54 with serine.
Molecular consequence: missense variant. On other transcripts: 5 prime UTR variant (3), intron variant (1).
Genome position (GRCh38, 1-based): chr17:44,071,125, G>A. VCF-style: chr17-44071125-G-A. GRCh37 (hg19) VCF-style: chr17-42148493-G-A.
Other names: p.Gly54Ser; c.160G>A, p.Gly54Ser (NM_001319945.2); c.-245G>A (NM_001384165.1); c.-380G>A (NM_001384166.1); c.-370G>A (NM_001384167.1); c.-312+411G>A (NM_001384168.1); short protein forms G54S.
Identifiers: ClinVar variation 2683425 (VCV002683425.1), dbSNP rs1414847084, ClinGen allele CA399746209.

ClinVar aggregate classification (germline): Uncertain significance (1 of 4 stars; one submission).

Allele frequency attached by ClinVar (database versions not stated): gnomAD exomes below 0.00001; gnomAD 0.00001.

Submission:

Mayo Clinic Laboratories, Mayo Clinic
Classification: Uncertain significance. Last evaluated: 2022-02-04. Review status: criteria provided, single submitter. Criteria: ACMG Guidelines, 2015. Collection method: clinical testing. Allele origin: germline. Observed: 1 variant allele.
Comment: PM2_supporting